The following is an entry in ClinVar:

ClinVar aggregate classification (germline): Uncertain significance (1 of 4 stars; one submission).

Conditions:
Cardiovascular phenotype. Identifiers: MedGen CN230736.
Hereditary cancer-predisposing syndrome. Also called: Neoplastic Syndromes, Hereditary; Tumor predisposition; Hereditary Cancer Syndrome; Hereditary neoplastic syndrome. Identifiers: Orphanet 140162, MedGen C0027672, MeSH D009386, MONDO:0015356.

Submission:

Ambry Genetics
Classification: Uncertain significance for Cardiovascular phenotype; Hereditary cancer-predisposing syndrome. Last evaluated: 2025-10-31. Review status: criteria provided, single submitter. Criteria: Ambry Variant Classification Scheme 2023. Collection method: clinical testing. Allele origin: germline.
Comment: The c.2991-5T>C intronic variant results from a T to C substitution 5 nucleotides upstream from coding exon 23 in the NF1 gene. This nucleotide position is not well conserved in available vertebrate species. In silico splice site analysis predicts that this alteration will not have any significant effect on splicing. Based on the available evidence, the clinical significance of this variant remains unclear.

NM_001042492.3(NF1):c.2991-5T>C

Gene: NF1 (neurofibromin 1; plus strand). Cytogenetic location: 17q11.2.
Variant type: single nucleotide variant.
Coding change: c.2991-5T>C on transcript NM_001042492.3 (MANE Select); 5 bases into the intron before coding-DNA position 2991, T replaced by C.
Molecular consequence: intron variant.
Genome position (GRCh38, 1-based): chr17:31,230,255, T>C. VCF-style: chr17-31230255-T-C. GRCh37 (hg19) VCF-style: chr17-29557273-T-C.
Other names: c.2991-5T>C (NM_000267.4).
Identifiers: ClinVar variation 4615765 (VCV004615765.1).